The following is an entry in ClinVar:

NM_006767.4(LZTR1):c.1175C>A (p.Ala392Glu)

Gene: LZTR1 (leucine zipper like post translational regulator 1; plus strand). Cytogenetic location: 22q11.21.
Variant type: single nucleotide variant.
Coding change: c.1175C>A on transcript NM_006767.4 (MANE Select); coding-DNA position 1175, C replaced by A.
Protein change: p.Ala392Glu; replaces alanine 392 with glutamic acid.
Molecular consequence: missense variant.
Genome position (GRCh38, 1-based): chr22:20,992,819, C>A. VCF-style: chr22-20992819-C-A. GRCh37 (hg19) VCF-style: chr22-21347108-C-A.
Other names: short protein forms A392E.
Identifiers: ClinVar variation 2501184 (VCV002501184.5), dbSNP rs767354230, ClinGen allele CA410773721.

ClinVar aggregate classification (germline): Uncertain significance. Review status: criteria provided, multiple submitters, no conflicts (2 of 4 stars). 3 submissions from 3 submitters: Uncertain significance (3). Last evaluated 2025-11-13.

Conditions:
Cardiovascular phenotype. Identifiers: MedGen CN230736.
Hereditary cancer-predisposing syndrome. Also called: Hereditary Cancer Syndrome; Hereditary neoplastic syndrome; Neoplastic Syndromes, Hereditary; Tumor predisposition. Identifiers: Orphanet 140162, MedGen C0027672, MeSH D009386, MONDO:0015356.

Submissions (3):

Women's Health and Genetics/Laboratory Corporation of America, LabCorp
Classification: Uncertain significance. Last evaluated: 2025-11-13. Review status: criteria provided, single submitter. Criteria: LabCorp Variant Classification Summary - May 2015. Collection method: clinical testing. Allele origin: germline.
Comment: Variant summary: LZTR1 c.1175C>A (p.Ala392Glu) results in a non-conservative amino acid change in the encoded protein sequence. Algorithms developed to predict the effect of missense changes on protein structure and function are either unavailable or do not agree on the potential impact of this missense change. The variant was absent in 1604788 control chromosomes. The available data on variant occurrences in the general population are insufficient to allow any conclusion about variant significance. To our knowledge, no occurrence of c.1175C>A in individuals affected with LZTR1-related conditions and no experimental evidence demonstrating its impact on protein function have been reported. ClinVar contains an entry for this variant (Variation ID: 2501184). Based on the evidence outlined above, the variant was classified as uncertain significance.

Ambry Genetics
Classification: Uncertain significance for Cardiovascular phenotype; Hereditary cancer-predisposing syndrome. Last evaluated: 2024-11-16. Review status: criteria provided, single submitter. Criteria: Ambry Variant Classification Scheme 2023. Collection method: clinical testing. Allele origin: germline.
Comment: The p.A392E variant (also known as c.1175C>A), located in coding exon 11 of the LZTR1 gene, results from a C to A substitution at nucleotide position 1175. The alanine at codon 392 is replaced by glutamic acid, an amino acid with dissimilar properties. This amino acid position is conserved. In addition, the in silico prediction for this alteration is inconclusive. Based on the available evidence, the clinical significance of this variant remains unclear.

Labcorp Genetics (formerly Invitae), Labcorp
Classification: Uncertain significance. Last evaluated: 2024-02-22. Review status: criteria provided, single submitter. Criteria: Invitae Variant Classification Sherloc (09022015). Collection method: clinical testing. Allele origin: germline.
Comment: This sequence change replaces alanine, which is neutral and non-polar, with glutamic acid, which is acidic and polar, at codon 392 of the LZTR1 protein (p.Ala392Glu). This variant is not present in population databases (gnomAD no frequency). This variant has not been reported in the literature in individuals affected with LZTR1-related conditions. ClinVar contains an entry for this variant (Variation ID: 2501184). Advanced modeling of protein sequence and biophysical properties (such as structural, functional, and spatial information, amino acid conservation, physicochemical variation, residue mobility, and thermodynamic stability) performed at Invitae indicates that this missense variant is not expected to disrupt LZTR1 protein function with a negative predictive value of 80%. In summary, the available evidence is currently insufficient to determine the role of this variant in disease. Therefore, it has been classified as a Variant of Uncertain Significance.